The following is an entry in ClinVar:

NM_002439.5(MSH3):c.3302+4A>C

Gene: MSH3 (mutS homolog 3; plus strand). Cytogenetic location: 5q14.1.
Variant type: single nucleotide variant.
Coding change: c.3302+4A>C on transcript NM_002439.5 (MANE Select); 4 bases into the intron after coding-DNA position 3302, A replaced by C.
Molecular consequence: intron variant.
Genome position (GRCh38, 1-based): chr5:80,873,291, A>C. VCF-style: chr5-80873291-A-C. GRCh37 (hg19) VCF-style: chr5-80169110-A-C.
Identifiers: ClinVar variation 664807 (VCV000664807.9), dbSNP rs779568504, ClinGen allele CA3328499.

ClinVar aggregate classification (germline): Conflicting classifications of pathogenicity. Review status: criteria provided, conflicting classifications (1 of 4 stars). 2 submissions from 2 submitters: Uncertain significance (1); Likely benign (1). Last evaluated 2026-01-27.

Conditions:
Hereditary cancer-predisposing syndrome. Also called: Tumor predisposition; Hereditary neoplastic syndrome; Neoplastic Syndromes, Hereditary; Hereditary Cancer Syndrome. Identifiers: Orphanet 140162, MedGen C0027672, MeSH D009386, MONDO:0015356.

Allele frequency attached by ClinVar (database versions not stated): ExAC 0.00001; gnomAD 0.00001; TOPMed 0.00001.
gnomAD v4.1: 4 of 1,613,684 alleles (0.00025%); highest among the groups gnomAD compares: East Asian, 0.0067%; no homozygotes.

Submissions (2):

Labcorp Genetics (formerly Invitae), Labcorp
Classification: Likely benign. Last evaluated: 2026-01-27. Review status: criteria provided, single submitter. Criteria: Invitae Variant Classification Sherloc (09022015). Collection method: clinical testing. Allele origin: germline.

Ambry Genetics
Classification: Uncertain significance for Hereditary cancer-predisposing syndrome. Last evaluated: 2024-01-10. Review status: criteria provided, single submitter. Criteria: Ambry Variant Classification Scheme 2023. Collection method: clinical testing. Allele origin: germline.
Comment: The c.3302+4A>C intronic variant results from an A to C substitution 4 nucleotides after coding exon 23 in the MSH3 gene. This nucleotide position is well conserved in available vertebrate species. In silico splice site analysis for this alteration is inconclusive. Since supporting evidence is limited at this time, the clinical significance of this alteration remains unclear.